The following is an entry in ClinVar:

ClinVar aggregate classification (germline): Likely benign (0 of 4 stars; one submission).

Conditions:
TH-related disorder. Also called: TH-related condition.

Allele frequency attached by ClinVar (database versions not stated): ExAC 0.00008; gnomAD 0.00012.
gnomAD v4.1: 101 of 1,549,698 alleles (0.0065%); highest among the groups gnomAD compares: Admixed American, 0.19%; no homozygotes.

Submission:

PreventionGenetics, part of Exact Sciences
Classification: Likely benign for TH-related condition. Last evaluated: 2020-03-20. Review status: no assertion criteria provided. Collection method: clinical testing. Allele origin: germline.
Comment: This variant is classified as likely benign based on ACMG/AMP sequence variant interpretation guidelines (Richards et al. 2015 PMID: 25741868, with internal and published modifications).

NM_000360.4(TH):c.842-38C>G

Gene: TH (tyrosine hydroxylase; minus strand). Cytogenetic location: 11p15.5.
Variant type: single nucleotide variant.
Coding change: c.842-38C>G on transcript NM_000360.4 (MANE Select); 38 bases into the intron before coding-DNA position 842, C replaced by G.
Molecular consequence: intron variant.
Genome position (GRCh38, 1-based): chr11:2,166,806, G>C on the plus strand (C>G on the coding strand, the complement: TH is on the minus strand). VCF-style: chr11-2166806-G-C. GRCh37 (hg19) VCF-style: chr11-2188036-G-C.
Other names: c.923-38C>G (NM_199293.3); c.935-38C>G (NM_199292.3).
Identifiers: ClinVar variation 3040098 (VCV003040098.2), dbSNP rs776510373, ClinGen allele CA5818456.